The following is an entry in ClinVar:

ClinVar aggregate classification (germline): Uncertain significance. Review status: criteria provided, multiple submitters, no conflicts (2 of 4 stars). 4 submissions from 4 submitters: Uncertain significance (4). Last evaluated 2025-12-04.

Conditions:
Inborn genetic diseases. Identifiers: MedGen C0950123, MeSH D030342.
Hennekam lymphangiectasia-lymphedema syndrome 2 (HKLLS2). Identifiers: Orphanet 2136, MedGen C4014939, MONDO:0014454, OMIM 616006.
Van Maldergem syndrome 2 (VMLDS2). Identifiers: Orphanet 314679, MedGen C3809875, MONDO:0014242, OMIM 615546.

Allele frequency attached by ClinVar (database versions not stated): gnomAD 0.00001; ExAC 0.00002; ESP Exome Variant Server 0.00008; TOPMed 0.00003; gnomAD exomes 0.00001.
gnomAD v4.1: 20 of 1,614,034 alleles (0.0012%); highest among the groups gnomAD compares: African/African-American, 0.011%; no homozygotes.

Submissions (4):

Ambry Genetics
Classification: Uncertain significance for Inborn genetic diseases. Last evaluated: 2025-12-04. Review status: criteria provided, single submitter. Criteria: Ambry Variant Classification Scheme 2023. Collection method: clinical testing. Allele origin: germline.

Fulgent Genetics
Classification: Uncertain significance for Van Maldergem syndrome 2; Hennekam lymphangiectasia-lymphedema syndrome 2. Last evaluated: 2024-04-23. Review status: criteria provided, single submitter. Criteria: ACMG Guidelines, 2015. Collection method: clinical testing. Allele origin: germline.

Labcorp Genetics (formerly Invitae), Labcorp
Classification: Uncertain significance. Last evaluated: 2022-11-14. Review status: criteria provided, single submitter. Criteria: Invitae Variant Classification Sherloc (09022015). Collection method: clinical testing. Allele origin: germline.
Comment: In summary, the available evidence is currently insufficient to determine the role of this variant in disease. Therefore, it has been classified as a Variant of Uncertain Significance. Advanced modeling of protein sequence and biophysical properties (such as structural, functional, and spatial information, amino acid conservation, physicochemical variation, residue mobility, and thermodynamic stability) performed at Invitae indicates that this missense variant is not expected to disrupt FAT4 protein function. This variant has not been reported in the literature in individuals affected with FAT4-related conditions. This variant is present in population databases (rs372991940, gnomAD 0.03%). This sequence change replaces proline, which is neutral and non-polar, with leucine, which is neutral and non-polar, at codon 585 of the FAT4 protein (p.Pro585Leu).

Department of Pathology and Laboratory Medicine, Sinai Health System
Classification: Uncertain significance for Van Maldergem syndrome 2; Hennekam lymphangiectasia-lymphedema syndrome 2. Last evaluated: 2021-07-30. Review status: criteria provided, single submitter. Criteria: ACMG Guidelines, 2015. Collection method: research. Allele origin: germline.

NM_001291303.3(FAT4):c.1754C>T (p.Pro585Leu)

Gene: FAT4 (FAT atypical cadherin 4; plus strand). Cytogenetic location: 4q28.1.
Variant type: single nucleotide variant.
Coding change: c.1754C>T on transcript NM_001291303.3 (MANE Select); coding-DNA position 1754, C replaced by T.
Protein change: p.Pro585Leu; replaces proline 585 with leucine.
Molecular consequence: missense variant.
Genome position (GRCh38, 1-based): chr4:125,318,165, C>T. VCF-style: chr4-125318165-C-T. GRCh37 (hg19) VCF-style: chr4-126239320-C-T.
Other names: c.1754C>T (NM_024582.4, NM_024582.5); c.1754C>T, p.Pro585Leu (NM_001291285.3, NM_024582.6); short protein forms P585L.
Identifiers: ClinVar variation 2957724 (VCV002957724.4), dbSNP rs372991940, ClinGen allele CA3072049.
Genomic context (GRCh38, chr4:125,318,165, plus strand): 5'-ATGCCCAGCTTGTAGTAACTCTCCTAGATGTGAATGATGAAAAGCCAGTATTTAGCCAGC[C>T]AGAAGGGTATGATGTGTCTGTGGTTGAGAATGCCCCAACAGGGACAGAACTGTTGATGCT-3'
Protein context (NP_001278232.1, residues 575-595): VNDEKPVFSQ[Pro585Leu]EGYDVSVVEN